The following is an entry in ClinVar:

ClinVar aggregate classification (germline): Uncertain significance. Review status: criteria provided, multiple submitters, no conflicts (2 of 4 stars). 2 submissions from 2 submitters: Uncertain significance (2). Last evaluated 2025-09-14.

Conditions:
Hereditary cancer-predisposing syndrome. Also called: Hereditary Cancer Syndrome; Tumor predisposition; Neoplastic Syndromes, Hereditary; Hereditary neoplastic syndrome. Identifiers: Orphanet 140162, MedGen C0027672, MeSH D009386, MONDO:0015356.
Gastrointestinal stromal tumor. Also called: Gastrointestinal stromal tumor, somatic; Gastrointestinal stroma tumor. Identifiers: Orphanet 44890, MedGen C0238198, MeSH D046152, MONDO:0011719, OMIM 606764, HP:0100723.

Allele frequency attached by ClinVar (database versions not stated): gnomAD exomes below 0.00001 and 0.00001; gnomAD 0.00001; TOPMed 0.00001; ExAC 0.00002.
gnomAD v4.1: 4 of 1,613,682 alleles (0.00025%); highest among the groups gnomAD compares: Non-Finnish European, 0.00025%; no homozygotes.

Submissions (2):

Ambry Genetics
Classification: Uncertain significance for Hereditary cancer-predisposing syndrome. Last evaluated: 2025-09-14. Review status: criteria provided, single submitter. Criteria: Ambry Variant Classification Scheme 2023. Collection method: clinical testing. Allele origin: germline.
Comment: The p.T385A variant (also known as c.1153A>G), located in coding exon 7 of the KIT gene, results from an A to G substitution at nucleotide position 1153. The threonine at codon 385 is replaced by alanine, an amino acid with similar properties. This amino acid position is conserved. In addition, this alteration is predicted to be tolerated by in silico analysis. Since supporting evidence is limited at this time, the clinical significance of this alteration remains unclear.

Labcorp Genetics (formerly Invitae), Labcorp
Classification: Uncertain significance for Gastrointestinal stromal tumor. Last evaluated: 2024-03-16. Review status: criteria provided, single submitter. Criteria: Invitae Variant Classification Sherloc (09022015). Collection method: clinical testing. Allele origin: germline.
Comment: This sequence change replaces threonine, which is neutral and polar, with alanine, which is neutral and non-polar, at codon 385 of the KIT protein (p.Thr385Ala). This variant is present in population databases (rs776734905, gnomAD 0.002%). This variant has not been reported in the literature in individuals affected with KIT-related conditions. ClinVar contains an entry for this variant (Variation ID: 577221). An algorithm developed to predict the effect of missense changes on protein structure and function (PolyPhen-2) suggests that this variant is likely to be tolerated. In summary, the available evidence is currently insufficient to determine the role of this variant in disease. Therefore, it has been classified as a Variant of Uncertain Significance.

NM_000222.3(KIT):c.1153A>G (p.Thr385Ala)

Gene: KIT (KIT proto-oncogene, receptor tyrosine kinase; plus strand). Cytogenetic location: 4q12.
Variant type: single nucleotide variant.
Coding change: c.1153A>G on transcript NM_000222.3 (MANE Select); coding-DNA position 1153, A replaced by G.
Protein change: p.Thr385Ala; replaces threonine 385 with alanine.
Molecular consequence: missense variant.
Genome position (GRCh38, 1-based): chr4:54,709,461, A>G. VCF-style: chr4-54709461-A-G. GRCh37 (hg19) VCF-style: chr4-55575627-A-G.
Other names: c.1153A>G, p.Thr385Ala (NM_001093772.2, NM_001385285.1, NM_001385286.1); c.1156A>G, p.Thr386Ala (NM_001385284.1, NM_001385288.1, NM_001385290.1 and 1 more transcripts); short protein forms T385A, T386A.
Identifiers: ClinVar variation 577221 (VCV000577221.13), dbSNP rs776734905, ClinGen allele CA2923398.